The following is an entry in ClinVar:

ClinVar aggregate classification (germline): Conflicting classifications of pathogenicity. Review status: criteria provided, conflicting classifications (1 of 4 stars). 2 submissions from 2 submitters: Uncertain significance (1); Likely benign (1). Last evaluated 2025-06-27.

Conditions:
Inborn genetic diseases. Identifiers: MedGen C0950123, MeSH D030342.

Submissions (2):

Mayo Clinic Laboratories, Mayo Clinic
Classification: Uncertain significance. Last evaluated: 2025-06-27. Review status: criteria provided, single submitter. Criteria: ACMG Guidelines, 2015. Collection method: clinical testing. Allele origin: germline. Observed: 1 variant allele.
Comment: BP4_moderate

Ambry Genetics
Classification: Likely benign for Inborn genetic diseases. Last evaluated: 2025-05-02. Review status: criteria provided, single submitter. Criteria: Ambry Variant Classification Scheme 2023. Collection method: clinical testing. Allele origin: germline.

NM_000434.4(NEU1):c.631C>T (p.Arg211Trp)

Gene: NEU1 (neuraminidase 1; minus strand). Cytogenetic location: 6p21.33.
Variant type: single nucleotide variant.
Coding change: c.631C>T on transcript NM_000434.4 (MANE Select); coding-DNA position 631, C replaced by T.
Protein change: p.Arg211Trp; replaces arginine 211 with tryptophan.
Molecular consequence: missense variant.
Genome position (GRCh38, 1-based): chr6:31,860,606, G>A on the plus strand (C>T on the coding strand, the complement: NEU1 is on the minus strand). VCF-style: chr6-31860606-G-A. GRCh37 (hg19) VCF-style: chr6-31828383-G-A.
Other names: p.Arg211Trp; c.631C>T (NM_000434.3); short protein forms R211W.
Identifiers: ClinVar variation 3918963 (VCV003918963.2).